The following is an entry in ClinVar:

NM_017654.4(SAMD9):c.3065T>G (p.Met1022Arg)

Gene: SAMD9 (sterile alpha motif domain containing 9; minus strand). Cytogenetic location: 7q21.2.
Variant type: single nucleotide variant.
Coding change: c.3065T>G on transcript NM_017654.4 (MANE Select); coding-DNA position 3065, T replaced by G.
Protein change: p.Met1022Arg; replaces methionine 1022 with arginine.
Molecular consequence: missense variant.
Genome position (GRCh38, 1-based): chr7:93,103,033, A>C on the plus strand (T>G on the coding strand, the complement: SAMD9 is on the minus strand). VCF-style: chr7-93103033-A-C. GRCh37 (hg19) VCF-style: chr7-92732346-A-C.
Other names: c.3065T>G, p.Met1022Arg (NM_001193307.2); short protein forms M1022R.
Identifiers: ClinVar variation 2580400 (VCV002580400.2), dbSNP rs1342781533, ClinGen allele CA368188910.

ClinVar aggregate classification (germline): Uncertain significance. Review status: criteria provided, multiple submitters, no conflicts (2 of 4 stars). 2 submissions from 2 submitters: Uncertain significance (2). Last evaluated 2024-11-28.

Conditions:
Inborn genetic diseases. Identifiers: MedGen C0950123, MeSH D030342.

Allele frequency attached by ClinVar (database versions not stated): gnomAD exomes below 0.00001; TOPMed below 0.00001; gnomAD 0.00001.

Submissions (2):

Ambry Genetics
Classification: Uncertain significance for Inborn genetic diseases. Last evaluated: 2024-11-28. Review status: criteria provided, single submitter. Criteria: Ambry Variant Classification Scheme 2023. Collection method: clinical testing. Allele origin: germline.
Comment: The p.M1022R variant (also known as c.3065T>G), located in coding exon 1 of the SAMD9 gene, results from a T to G substitution at nucleotide position 3065. The methionine at codon 1022 is replaced by arginine, an amino acid with similar properties. This amino acid position is conserved. In addition, this alteration is predicted to be tolerated by in silico analysis. Based on the available evidence, the clinical significance of this variant remains unclear.

GeneDx
Classification: Uncertain significance. Last evaluated: 2023-03-21. Review status: criteria provided, single submitter. Criteria: GeneDx Variant Classification Process June 2021. Collection method: clinical testing. Allele origin: germline. Affected: yes.
Comment: Not observed at significant frequency in large population cohorts (gnomAD); In silico analysis supports that this missense variant does not alter protein structure/function; Has not been previously published as pathogenic or benign to our knowledge; This variant is associated with the following publications: (PMID: 28545555)